The following is an entry in ClinVar:

NM_000321.3(RB1):c.2389T>A (p.Leu797Ile)

Gene: RB1 (RB transcriptional corepressor 1; plus strand). Cytogenetic location: 13q14.2.
Variant type: single nucleotide variant.
Coding change: c.2389T>A on transcript NM_000321.3 (MANE Select); coding-DNA position 2389, T replaced by A.
Protein change: p.Leu797Ile; replaces leucine 797 with isoleucine.
Molecular consequence: missense variant.
Genome position (GRCh38, 1-based): chr13:48,465,268, T>A. VCF-style: chr13-48465268-T-A. GRCh37 (hg19) VCF-style: chr13-49039404-T-A.
Other names: c.2389T>A, p.Leu797Ile (NM_001407165.1); short protein forms L797I.
Identifiers: ClinVar variation 2825895 (VCV002825895.4), dbSNP rs2138345745, ClinGen allele CA388167877.

ClinVar aggregate classification (germline): Uncertain significance. Review status: criteria provided, multiple submitters, no conflicts (2 of 4 stars). 2 submissions from 2 submitters: Uncertain significance (2). Last evaluated 2026-07-07.

Conditions:
Retinoblastoma (RB1). Also called: RETINOBLASTOMA, SOMATIC. Identifiers: Orphanet 790, MedGen C0035335, MeSH D012175, MONDO:0008380, OMIM 180200, HP:0009919. Disease mechanism: loss of function. Inheritance: Both sporadic and heritable forms are tested..
Hereditary cancer-predisposing syndrome. Also called: Hereditary Cancer Syndrome; Hereditary neoplastic syndrome; Neoplastic Syndromes, Hereditary; Tumor predisposition. Identifiers: Orphanet 140162, MedGen C0027672, MeSH D009386, MONDO:0015356.

Submissions (2):

Ambry Genetics
Classification: Uncertain significance for Hereditary cancer-predisposing syndrome. Last evaluated: 2026-07-07. Review status: criteria provided, single submitter. Criteria: Ambry Variant Classification Scheme 2023. Collection method: clinical testing. Allele origin: germline.
Comment: The p.L797I variant (also known as c.2389T>A), located in coding exon 23 of the RB1 gene, results from a T to A substitution at nucleotide position 2389. The leucine at codon 797 is replaced by isoleucine, an amino acid with highly similar properties. This amino acid position is conserved. In addition, this alteration is predicted to be tolerated by in silico analysis. Based on the available evidence, the clinical significance of this variant remains unclear.

Labcorp Genetics (formerly Invitae), Labcorp
Classification: Uncertain significance for Retinoblastoma. Last evaluated: 2023-01-02. Review status: criteria provided, single submitter. Criteria: Invitae Variant Classification Sherloc (09022015). Collection method: clinical testing. Allele origin: germline.
Comment: This sequence change replaces leucine, which is neutral and non-polar, with isoleucine, which is neutral and non-polar, at codon 797 of the RB1 protein (p.Leu797Ile). This variant is not present in population databases (gnomAD no frequency). This variant has not been reported in the literature in individuals affected with RB1-related conditions. Advanced modeling of protein sequence and biophysical properties (such as structural, functional, and spatial information, amino acid conservation, physicochemical variation, residue mobility, and thermodynamic stability) performed at Invitae indicates that this missense variant is not expected to disrupt RB1 protein function. In summary, the available evidence is currently insufficient to determine the role of this variant in disease. Therefore, it has been classified as a Variant of Uncertain Significance.